The following is an entry in ClinVar:

NM_000138.5(FBN1):c.3545_3548dup (p.Asn1183fs)

Gene: FBN1 (fibrillin 1; minus strand). Cytogenetic location: 15q21.1.
Variant type: Duplication.
Coding change: c.3545_3548dup on transcript NM_000138.5 (MANE Select); coding-DNA positions 3545 to 3548, 4 bases duplicated (GCAA; older notation c.3545_3548dupGCAA).
Protein change: p.Asn1183fs; shifts the reading frame from asparagine 1183.
Molecular consequence: frameshift variant.
Genome position (GRCh38, 1-based): chr15:48,487,116-48,487,119, TTGC duplicated on the plus strand (GCAA on the coding strand, the reverse complement: FBN1 is on the minus strand). VCF-style (leftmost placement, unchanged base first): chr15-48487115-G-GTTGC. GRCh37 (hg19) VCF-style: chr15-48779312-G-GTTGC.
Other names: c.3545_3548dup, p.Asn1183fs (NM_001406716.1); short protein forms N1183fs.
Identifiers: ClinVar variation 1325412 (VCV001325412.2), dbSNP rs2141293186, ClinGen allele CA2573150824.

ClinVar aggregate classification (germline): Pathogenic (1 of 4 stars; one submission).

Conditions:
Marfan syndrome (MFS). Also called: Marfan syndrome type 1; Marfan's syndrome; FBN1-Related Marfan Syndrome; MARFAN SYNDROME, TYPE I; Marfan syndrome, classic. Identifiers: Orphanet 284963, Orphanet 558, MedGen C0024796, MONDO:0007947, OMIM 154700.

Submission:

Centre of Medical Genetics, University of Antwerp
Classification: Pathogenic for Marfan syndrome. Last evaluated: 2021-03-01. Review status: criteria provided, single submitter. Criteria: Submitter's publication. Collection method: research. Allele origin: unknown. Affected: yes.
Comment: PM2, PVS1, PP4